The following is an entry in ClinVar:

NM_001100.4(ACTA1):c.755T>C (p.Ile252Thr)

Gene: ACTA1 (actin alpha 1, skeletal muscle; minus strand). Cytogenetic location: 1q42.13.
Variant type: single nucleotide variant.
Coding change: c.755T>C on transcript NM_001100.4 (MANE Select); coding-DNA position 755, T replaced by C.
Protein change: p.Ile252Thr; replaces isoleucine 252 with threonine.
Molecular consequence: missense variant.
Genome position (GRCh38, 1-based): chr1:229,432,047, A>G on the plus strand (T>C on the coding strand, the complement: ACTA1 is on the minus strand). VCF-style: chr1-229432047-A-G. GRCh37 (hg19) VCF-style: chr1-229567794-A-G.
Other names: short protein forms I252T.
Identifiers: ClinVar variation 4867214 (VCV004867214.1).

ClinVar aggregate classification (germline): Uncertain significance (1 of 4 stars; one submission).

Conditions:
Inborn genetic diseases. Identifiers: MedGen C0950123, MeSH D030342.

Submission:

Ambry Genetics
Classification: Uncertain significance for Inborn genetic diseases. Last evaluated: 2026-04-06. Review status: criteria provided, single submitter. Criteria: Ambry Variant Classification Scheme 2023. Collection method: clinical testing. Allele origin: germline.
Comment: The c.755T>C (p.I252T) alteration is located in exon 5 (coding exon 4) of the ACTA1 gene. This alteration results from a T to C substitution at nucleotide position 755, causing the isoleucine (I) at amino acid position 252 to be replaced by a threonine (T). This variant was not reported in population-based cohorts in the Genome Aggregation Database (gnomAD). This amino acid position is highly conserved in available vertebrate species. This alteration is predicted to be deleterious by in silico analysis. Based on insufficient or conflicting evidence, the clinical significance of this alteration remains unclear.